The following is an entry in ClinVar:

NM_001613.4(ACTA2):c.1120C>G (p.Arg374Gly)

Genes: ACTA2 (actin alpha 2, smooth muscle; minus strand), ACTA2-AS1 (ACTA2 antisense RNA 1; plus strand). Cytogenetic location: 10q23.31.
Variant type: single nucleotide variant.
Coding change: c.1120C>G on transcript NM_001613.4 (MANE Select); coding-DNA position 1120, C replaced by G.
Protein change: p.Arg374Gly; replaces arginine 374 with glycine.
Molecular consequence: missense variant. On other transcripts: non-coding transcript variant (1).
Genome position (GRCh38, 1-based): chr10:88,935,237, G>C on the plus strand (C>G on the coding strand, the complement: ACTA2 is on the minus strand). VCF-style: chr10-88935237-G-C. GRCh37 (hg19) VCF-style: chr10-90694994-G-C.
Other names: c.1120C>G, p.Arg374Gly (NM_001141945.3, NM_001320855.2, NM_001406462.1 and 2 more transcripts); c.1009C>G, p.Arg337Gly (NM_001406466.1); c.991C>G, p.Arg331Gly (NM_001406467.1, NM_001406468.1, NM_001406469.1); c.928C>G, p.Arg310Gly (NM_001406471.1); short protein forms R374G, R337G, R310G, R331G.
Identifiers: ClinVar variation 4771581 (VCV004771581.1).
Genomic context (GRCh38, chr10:88,935,237, plus strand): 5'-ACATTCACAGTTGTGTGCTAGAGACAGAGAGGAGCAGGAAAGTGTTTTAGAAGCATTTGC[G>C]GTGGACAATGGAAGGCCCGGCTTCATCGTATTCCTGTTTGCTGATCCACATCTGCTGGAA-3'
Protein context (NP_001604.1, residues 364-377): YDEAGPSIVH[Arg374Gly]KCF

ClinVar aggregate classification (germline): Uncertain significance (1 of 4 stars; one submission).

Conditions:
Aortic aneurysm, familial thoracic 6 (AAT6). Also called: FAMILIAL THORACIC AORTIC ANEURYSM WITH LIVEDO RETICULARIS AND IRIS FLOCCULI. Identifiers: MedGen C2673186, MONDO:0012730, OMIM 611788.

gnomAD v4.1: 1 of 1,613,458 alleles (0.000062%); highest among the groups gnomAD compares: Non-Finnish European, 0.000085%; no homozygotes.

Submission:

Labcorp Genetics (formerly Invitae), Labcorp
Classification: Uncertain significance for Aortic aneurysm, familial thoracic 6. Last evaluated: 2025-02-26. Review status: criteria provided, single submitter. Criteria: Invitae Variant Classification Sherloc (09022015). Collection method: clinical testing. Allele origin: germline.
Comment: This sequence change replaces arginine, which is basic and polar, with glycine, which is neutral and non-polar, at codon 374 of the ACTA2 protein (p.Arg374Gly). This variant is not present in population databases (gnomAD no frequency). This variant has not been reported in the literature in individuals affected with ACTA2-related conditions. Invitae Evidence Modeling of protein sequence and biophysical properties (such as structural, functional, and spatial information, amino acid conservation, physicochemical variation, residue mobility, and thermodynamic stability) indicates that this missense variant is expected to disrupt ACTA2 protein function with a positive predictive value of 80%. In summary, the available evidence is currently insufficient to determine the role of this variant in disease. Therefore, it has been classified as a Variant of Uncertain Significance.